The following is an entry in ClinVar:

NM_001130004.2(ACTN1):c.947_955del (p.Phe316_Asp318del)

Gene: ACTN1 (actinin alpha 1; minus strand). Cytogenetic location: 14q24.1.
Variant type: Deletion.
Coding change: c.947_955del on transcript NM_001130004.2 (MANE Select); coding-DNA positions 947 to 955, 9 bases deleted (TCCGGGACT; older notation c.947_955delTCCGGGACT).
Protein change: p.Phe316_Asp318del.
Molecular consequence: inframe indel (on NM_001130004.1).
Genome position (GRCh38, 1-based): chr14:68,892,184-68,892,192, AGTCCCGGA deleted on the plus strand (TCCGGGACT on the coding strand, the reverse complement: ACTN1 is on the minus strand); deleting any 9 consecutive bases within chr14:68,892,184-68,892,197 gives the same sequence; the c. name uses the placement nearest the transcript's 3' end. VCF-style (leftmost placement, unchanged base first): chr14-68892183-TAGTCCCGGA-T. GRCh37 (hg19) VCF-style: chr14-69358900-TAGTCCCGGA-T.
Other names: c.947_955del, p.Phe316_Asp318del (NM_001102.4, NM_001130005.2, NM_001411035.1 and 9 more transcripts); c.942_950delGGACTTCCG, p.Phe316_Asp318del (NM_001130004.1); c.752_760del, p.Phe251_Asp253del (NM_001411036.1, NM_001424026.1, NM_001424028.1); c.1073_1081del, p.Phe358_Asp360del (NM_001424013.1); c.1034_1042del, p.Phe345_Asp347del (NM_001424015.1); c.944_952del, p.Phe315_Asp317del (NM_001424017.1); c.884_892del, p.Phe295_Asp297del (NM_001424018.1, NM_001424020.1, NM_001424022.1); c.878_886del, p.Phe293_Asp295del (NM_001424021.1); and 1 more.
Identifiers: ClinVar variation 3364337 (VCV003364337.1).

ClinVar aggregate classification (germline): Uncertain significance (1 of 4 stars; one submission).

Submission:

GeneDx
Classification: Uncertain significance. Last evaluated: 2023-11-15. Review status: criteria provided, single submitter. Criteria: GeneDx Variant Classification Process June 2021. Collection method: clinical testing. Allele origin: germline. Affected: yes.
Comment: Not observed at significant frequency in large population cohorts (gnomAD); In-frame deletion of 3 amino acids in a non-repeat region; In silico analysis supports a deleterious effect on protein structure/function; Has not been previously published as pathogenic or benign to our knowledge